The following is an entry in ClinVar:

NM_001197104.2(KMT2A):c.7804A>G (p.Met2602Val)

Gene: KMT2A (lysine methyltransferase 2A; plus strand). Cytogenetic location: 11q23.3.
Variant type: single nucleotide variant.
Coding change: c.7804A>G on transcript NM_001197104.2 (MANE Select); coding-DNA position 7804, A replaced by G.
Protein change: p.Met2602Val; replaces methionine 2602 with valine.
Molecular consequence: missense variant.
Genome position (GRCh38, 1-based): chr11:118,503,696, A>G. VCF-style: chr11-118503696-A-G. GRCh37 (hg19) VCF-style: chr11-118374411-A-G.
Other names: c.7795A>G, p.Met2599Val (NM_005933.4); c.7804A>G (NM_001197104.1); short protein forms M2599V, M2602V.
Identifiers: ClinVar variation 1376231 (VCV001376231.7), dbSNP rs781830267, ClinGen allele CA6304436.
Genomic context (GRCh38, chr11:118,503,696, plus strand): 5'-TCATGCCAGGATTCTCAAAGTAACAACTATCAGAATCTTCCAGTACAGGACAGAAACCTA[A>G]TGCTTCCAGATGGCCCCAAACCTCAGGAGGATGGCTCTTTTAAAAGGAGGTATCCCCGTC-3'
Protein context (NP_001184033.1, residues 2592-2612): QNLPVQDRNL[Met2602Val]LPDGPKPQED

ClinVar aggregate classification (germline): Conflicting classifications of pathogenicity. Review status: criteria provided, conflicting classifications (1 of 4 stars). 2 submissions from 2 submitters: Uncertain significance (1); Likely benign (1). Last evaluated 2025-09-02.

Conditions:
Inborn genetic diseases. Identifiers: MedGen C0950123, MeSH D030342.

Allele frequency attached by ClinVar (database versions not stated): gnomAD exomes 0.00002 and 0.00004; TOPMed 0.00003; ExAC 0.00004; gnomAD 0.00005.
gnomAD v4.1: 68 of 1,614,024 alleles (0.0042%); highest among the groups gnomAD compares: Non-Finnish European, 0.0056%; no homozygotes.

Submissions (2):

Labcorp Genetics (formerly Invitae), Labcorp
Classification: Uncertain significance. Last evaluated: 2025-09-02. Review status: criteria provided, single submitter. Criteria: Invitae Variant Classification Sherloc (09022015). Collection method: clinical testing. Allele origin: germline.
Comment: This sequence change replaces methionine, which is neutral and non-polar, with valine, which is neutral and non-polar, at codon 2602 of the KMT2A protein (p.Met2602Val). The frequency data for this variant in the population databases is considered unreliable, as metrics indicate poor data quality at this position in the gnomAD database. This variant has not been reported in the literature in individuals affected with KMT2A-related conditions. ClinVar contains an entry for this variant (Variation ID: 1376231). Invitae Evidence Modeling of protein sequence and biophysical properties (such as structural, functional, and spatial information, amino acid conservation, physicochemical variation, residue mobility, and thermodynamic stability) indicates that this missense variant is not expected to disrupt KMT2A protein function with a negative predictive value of 95%. In summary, the available evidence is currently insufficient to determine the role of this variant in disease. Therefore, it has been classified as a Variant of Uncertain Significance.

Ambry Genetics
Classification: Likely benign for Inborn genetic diseases. Last evaluated: 2024-05-02. Review status: criteria provided, single submitter. Criteria: Ambry Variant Classification Scheme 2023. Collection method: clinical testing. Allele origin: germline.